The following is an entry in ClinVar:

ClinVar aggregate classification (germline): Conflicting classifications of pathogenicity. Review status: criteria provided, conflicting classifications (1 of 4 stars). 3 submissions from 3 submitters: Uncertain significance (1); Likely benign (2). Last evaluated 2025-11-19.

Conditions:
Inborn genetic diseases. Identifiers: MedGen C0950123, MeSH D030342.

Allele frequency attached by ClinVar (database versions not stated): gnomAD exomes 0.00005 and 0.00016; ESP Exome Variant Server 0.00015; ExAC 0.00019; TOPMed 0.00043; gnomAD 0.00056 and 0.00059; 1000 Genomes Project 0.00100; 1000 Genomes Project 30x 0.00125.
gnomAD v4.1: 161 of 1,611,018 alleles (0.01%); highest among the groups gnomAD compares: African/African-American, 0.17%; 1 homozygote.

Submissions (3):

Ambry Genetics
Classification: Likely benign for Inborn genetic diseases. Last evaluated: 2025-11-19. Review status: criteria provided, single submitter. Criteria: Ambry Variant Classification Scheme 2023. Collection method: clinical testing. Allele origin: germline.

Labcorp Genetics (formerly Invitae), Labcorp
Classification: Likely benign. Last evaluated: 2025-09-23. Review status: criteria provided, single submitter. Criteria: Invitae Variant Classification Sherloc (09022015). Collection method: clinical testing. Allele origin: germline.

GeneDx
Classification: Uncertain significance. Last evaluated: 2020-02-13. Review status: criteria provided, single submitter. Criteria: GeneDx Variant Classification Process June 2021. Collection method: clinical testing. Allele origin: germline. Affected: yes.
Comment: In silico analysis supports that this missense variant has a deleterious effect on protein structure/function; Missense variant in a gene in which most reported pathogenic variants are truncating/loss-of-function; Has not been previously published as pathogenic or benign to our knowledge

NM_018136.5(ASPM):c.9272G>A (p.Arg3091His)

Gene: ASPM (assembly factor for spindle microtubules; minus strand). Cytogenetic location: 1q31.3.
Variant type: single nucleotide variant.
Coding change: c.9272G>A on transcript NM_018136.5 (MANE Select); coding-DNA position 9272, G replaced by A.
Protein change: p.Arg3091His; replaces arginine 3091 with histidine.
Molecular consequence: missense variant.
Genome position (GRCh38, 1-based): chr1:197,093,074, C>T on the plus strand (G>A on the coding strand, the complement: ASPM is on the minus strand). VCF-style: chr1-197093074-C-T. GRCh37 (hg19) VCF-style: chr1-197062204-C-T.
Other names: c.4517G>A, p.Arg1506His (NM_001206846.2); short protein forms R3091H, R1506H.
Identifiers: ClinVar variation 764935 (VCV000764935.13), dbSNP rs147005963, ClinGen allele CA1309001.